The following is an entry in ClinVar:

NM_003673.4(TCAP):c.22T>C (p.Cys8Arg)

Gene: TCAP (titin-cap; plus strand). Cytogenetic location: 17q12.
Variant type: single nucleotide variant.
Coding change: c.22T>C on transcript NM_003673.4 (MANE Select); coding-DNA position 22, T replaced by C.
Protein change: p.Cys8Arg; replaces cysteine 8 with arginine.
Molecular consequence: missense variant.
Genome position (GRCh38, 1-based): chr17:39,665,381, T>C. VCF-style: chr17-39665381-T-C. GRCh37 (hg19) VCF-style: chr17-37821634-T-C.
Other names: short protein forms C8R.
Identifiers: ClinVar variation 1436557 (VCV001436557.8), dbSNP rs1597805144, ClinGen allele CA399302741.
Genomic context (GRCh38, chr17:39,665,381, plus strand): 5'-TTAAAGGGCCTGGGAGGGGAGAGAGAATGAGGAGTGATCATGGCTACCTCAGAGCTGAGC[T>C]GCGAGGTGTCGGAGGAGAACTGTGAGCGCCGGGAGGCCTTCTGGGCAGAATGGAAGGATC-3'
Protein context (NP_003664.1, residues 1-18): MATSELS[Cys8Arg]EVSEENCERR

ClinVar aggregate classification (germline): Uncertain significance (1 of 4 stars; one submission).

Conditions:
Hypertrophic cardiomyopathy 25 (CMH25). Also called: CARDIOMYOPATHY, FAMILIAL HYPERTROPHIC, 25. Identifiers: MedGen C4225408, MONDO:0011843, OMIM 607487.
Primary familial hypertrophic cardiomyopathy (HCM). Identifiers: Orphanet 99739, MedGen C0949658, MeSH D024741, MONDO:0024573. Inheritance: Various modes of inheritance.

Submission:

Labcorp Genetics (formerly Invitae), Labcorp
Classification: Uncertain significance for Hypertrophic cardiomyopathy 25; Primary familial hypertrophic cardiomyopathy. Last evaluated: 2022-03-25. Review status: criteria provided, single submitter. Criteria: Invitae Variant Classification Sherloc (09022015). Collection method: clinical testing. Allele origin: germline.
Comment: In summary, the available evidence is currently insufficient to determine the role of this variant in disease. Therefore, it has been classified as a Variant of Uncertain Significance. Algorithms developed to predict the effect of missense changes on protein structure and function (SIFT, PolyPhen-2, Align-GVGD) all suggest that this variant is likely to be disruptive. This variant has not been reported in the literature in individuals affected with TCAP-related conditions. This variant is not present in population databases (gnomAD no frequency). This sequence change replaces cysteine, which is neutral and slightly polar, with arginine, which is basic and polar, at codon 8 of the TCAP protein (p.Cys8Arg).